The following is an entry in ClinVar:

ClinVar aggregate classification (germline): Uncertain significance (1 of 4 stars; one submission).

Conditions:
Hereditary cancer-predisposing syndrome. Also called: Neoplastic Syndromes, Hereditary; Hereditary Cancer Syndrome; Tumor predisposition; Hereditary neoplastic syndrome. Identifiers: Orphanet 140162, MedGen C0027672, MeSH D009386, MONDO:0015356.

Allele frequency attached by ClinVar (database versions not stated): gnomAD exomes below 0.00001.
gnomAD v4.1: 1 of 1,612,032 alleles (0.000062%); highest among the groups gnomAD compares: Non-Finnish European, 0.000085%; no homozygotes.

Submission:

Color Diagnostics, LLC DBA Color Health
Classification: Uncertain significance for Hereditary cancer-predisposing syndrome. Last evaluated: 2023-12-05. Review status: criteria provided, single submitter. Criteria: ACMG Guidelines, 2015. Collection method: clinical testing. Allele origin: germline.
Comment: This missense variant replaces alanine with valine at codon 440 of the APC protein. Computational prediction suggests that this variant may not impact protein structure and function (internally defined REVEL score threshold <= 0.5, PMID: 27666373). To our knowledge, functional studies have not been reported for this variant. This variant has not been reported in individuals affected with APC-related disorders in the literature. This variant has not been identified in the general population by the Genome Aggregation Database (gnomAD). The available evidence is insufficient to determine the role of this variant in disease conclusively. Therefore, this variant is classified as a Variant of Uncertain Significance.

NM_000038.6(APC):c.1319C>T (p.Ala440Val)

Gene: APC (APC regulator of Wnt signaling pathway; plus strand). Cytogenetic location: 5q22.2.
Variant type: single nucleotide variant.
Coding change: c.1319C>T on transcript NM_000038.6 (MANE Select); coding-DNA position 1319, C replaced by T.
Protein change: p.Ala440Val; replaces alanine 440 with valine.
Molecular consequence: missense variant.
Genome position (GRCh38, 1-based): chr5:112,821,902, C>T. VCF-style: chr5-112821902-C-T. GRCh37 (hg19) VCF-style: chr5-112157599-C-T.
Other names: c.1319C>T, p.Ala440Val (NM_001127510.3, NM_001354895.2, NM_001354896.2); c.1265C>T, p.Ala422Val (NM_001127511.3); c.1349C>T, p.Ala450Val (NM_001354897.2); c.1244C>T, p.Ala415Val (NM_001354898.2); c.1235C>T, p.Ala412Val (NM_001354899.2); c.1142C>T, p.Ala381Val (NM_001354900.2, NM_001354901.2); c.1046C>T, p.Ala349Val (NM_001354902.2); c.1016C>T, p.Ala339Val (NM_001354903.2); and 3 more; short protein forms A280V, A339V, A349V, A450V, A314V, A415V, A422V, A440V.
Identifiers: ClinVar variation 928400 (VCV000928400.4), dbSNP rs1561545834, ClinGen allele CA16024196.